The following is an entry in ClinVar:

NM_000264.5(PTCH1):c.850A>C (p.Lys284Gln)

Gene: PTCH1 (patched 1; minus strand). Cytogenetic location: 9q22.32.
Variant type: single nucleotide variant.
Coding change: c.850A>C on transcript NM_000264.5 (MANE Select); coding-DNA position 850, A replaced by C.
Protein change: p.Lys284Gln; replaces lysine 284 with glutamine.
Molecular consequence: missense variant. On other transcripts: non-coding transcript variant (1).
Genome position (GRCh38, 1-based): chr9:95,480,485, T>G on the plus strand (A>C on the coding strand, the complement: PTCH1 is on the minus strand). VCF-style: chr9-95480485-T-G. GRCh37 (hg19) VCF-style: chr9-98242767-T-G.
Other names: c.397A>C, p.Lys133Gln (NM_001083606.3, NM_001083607.3, NM_001083604.3 and 1 more transcripts); c.850A>C, p.Lys284Gln (NM_001354918.2); c.652A>C, p.Lys218Gln (NM_001083602.3); c.847A>C, p.Lys283Gln (NM_001083603.3); short protein forms K133Q, K218Q, K283Q, K284Q.
Identifiers: ClinVar variation 1016780 (VCV001016780.9), dbSNP rs1841450813, ClinGen allele CA374114037.

ClinVar aggregate classification (germline): Uncertain significance (1 of 4 stars; one submission).

Conditions:
Gorlin syndrome. Also called: Nevoid Basal Cell Carcinoma Syndrome; Basal cell nevus syndrome. Identifiers: Orphanet 377, MedGen C0004779, MONDO:0007187.

Submission:

Labcorp Genetics (formerly Invitae), Labcorp
Classification: Uncertain significance for Gorlin syndrome. Last evaluated: 2020-10-19. Review status: criteria provided, single submitter. Criteria: Invitae Variant Classification Sherloc (09022015). Collection method: clinical testing. Allele origin: germline.
Comment: In summary, the available evidence is currently insufficient to determine the role of this variant in disease. Therefore, it has been classified as a Variant of Uncertain Significance. Algorithms developed to predict the effect of missense changes on protein structure and function are either unavailable or do not agree on the potential impact of this missense change (SIFT: "Deleterious"; PolyPhen-2: "Possibly Damaging"; Align-GVGD: "Class C0"). This variant has not been reported in the literature in individuals with PTCH1-related conditions. This variant is not present in population databases (ExAC no frequency). This sequence change replaces lysine with glutamine at codon 284 of the PTCH1 protein (p.Lys284Gln). The lysine residue is highly conserved and there is a small physicochemical difference between lysine and glutamine.